The following is an entry in ClinVar:

ClinVar aggregate classification (germline): Benign. Review status: criteria provided, multiple submitters, no conflicts (2 of 4 stars). 12 submissions from 11 submitters: Benign (11). 1 of the submissions does not count toward it. Last evaluated 2026-02-04.

Conditions:
RYR1-related disorder. Also called: RYR1-related disorders; RYR1-related condition. Identifiers: MedGen CN239331.
Congenital multicore myopathy with external ophthalmoplegia (CMYO1B). Also called: MULTICORE MYOPATHY; Minicore myopathy with external ophthalmoplegia; Congenital myopathy 1B, autosomal recessive; Minicore myopathy; MULTIMINICORE DISEASE WITH EXTERNAL OPHTHALMOPLEGIA. Identifiers: Orphanet 598, Orphanet 98905, MedGen C1850674, MONDO:0009712, OMIM 255320, HP:0003789.
King Denborough syndrome (KDS). Identifiers: MedGen C1840365, MONDO:0020485, OMIM 619542.
Central core myopathy (CMYO1A). Also called: Central core disease; Myopathy, central fibrillar; CONGENITAL MYOPATHY 1A, AUTOSOMAL DOMINANT, WITH SUSCEPTIBILITY TO MALIGNANT HYPERTHERMIA. Identifiers: Orphanet 597, MedGen C5830701, MONDO:0007294, OMIM 117000.
Congenital myopathy with fiber type disproportion. Also called: Congenital fiber-type disproportion myopathy; Congenital fiber-type disproportion. Identifiers: Orphanet 2020, MedGen C0546264, MONDO:0009711. Inheritance: all.
Malignant hyperthermia, susceptibility to, 1 (MHS1). Also called: RYR1-Related Malignant Hyperthermia Susceptibility; Malignant hyperthermia suceptibility 1; Anesthesia related hyperthermia; Malignant hyperpyrexia; Fulminating hyperpyrexia; Pharmacogenic myopathy. Identifiers: Orphanet 423, MedGen C2930980, MONDO:0007783, OMIM 145600.

Allele frequency attached by ClinVar (database versions not stated): gnomAD exomes 0.00323 and 0.00836; ExAC 0.01610; ESP Exome Variant Server 0.02869; gnomAD 0.03009 and 0.03214; 1000 Genomes Project 0.03275; TOPMed 0.03296; 1000 Genomes Project 30x 0.03373.
gnomAD v4.1: 9,327 of 1,546,552 alleles (0.6%); highest among the groups gnomAD compares: African/African-American, 10%; 399 homozygotes.

Submissions (12):

Labcorp Genetics (formerly Invitae), Labcorp
Classification: Benign for RYR1-related disorder. Last evaluated: 2026-02-04. Review status: criteria provided, single submitter. Criteria: Invitae Variant Classification Sherloc (09022015). Collection method: clinical testing. Allele origin: germline.

ARUP Laboratories, Molecular Genetics and Genomics, ARUP Laboratories
Classification: Benign. Last evaluated: 2024-03-20. Review status: criteria provided, single submitter. Criteria: ARUP Molecular Germline Variant Investigation Process 2024. Collection method: clinical testing. Allele origin: germline.

Fulgent Genetics
Classification: Benign for Central core myopathy; Malignant hyperthermia, susceptibility to, 1; Congenital myopathy 4A, autosomal dominant; Congenital multicore myopathy with external ophthalmoplegia; King Denborough syndrome. Last evaluated: 2021-08-13. Review status: criteria provided, single submitter. Criteria: ACMG Guidelines, 2015. Collection method: clinical testing. Allele origin: unknown.

Color Diagnostics, LLC DBA Color Health
Classification: Benign for Malignant hyperthermia, susceptibility to, 1. Last evaluated: 2019-03-29. Review status: criteria provided, single submitter. Criteria: ACMG Guidelines, 2015. Collection method: clinical testing. Allele origin: germline.

PreventionGenetics, part of Exact Sciences
Classification: Benign. Last evaluated: 2018-04-02. Review status: criteria provided, single submitter. Criteria: ACMG Guidelines, 2015. Collection method: clinical testing. Allele origin: germline.

Illumina Laboratory Services, Illumina
Classification: Benign for Malignant hyperthermia, susceptibility to, 1. Last evaluated: 2018-01-13. Review status: criteria provided, single submitter. Criteria: ICSL Variant Classification Criteria 13 December 2019. Collection method: clinical testing. Allele origin: germline.
Comment: This variant was observed in the ICSL laboratory as part of a predisposition screen in an ostensibly healthy population. It had not been previously curated by ICSL or reported in the Human Gene Mutation Database (HGMD: prior to June 1st, 2018), and was therefore a candidate for classification through an automated scoring system. Utilizing variant allele frequency, disease prevalence and penetrance estimates, and inheritance mode, an automated score was calculated to assess if this variant is too frequent to cause the disease. Based on the score and internal cut-off values, a variant classified as benign is not then subjected to further curation. The score for this variant resulted in a classification of benign for this disease.

Illumina Laboratory Services, Illumina
Classification: Benign for Congenital multicore myopathy with external ophthalmoplegia. Last evaluated: 2018-01-13. Review status: criteria provided, single submitter. Criteria: ICSL Variant Classification Criteria 13 December 2019. Collection method: clinical testing. Allele origin: germline.
Comment: the same text as in the submission from Illumina Laboratory Services, Illumina above.

GeneDx
Classification: Benign. Last evaluated: 2016-03-29. Review status: criteria provided, single submitter. Criteria: GeneDx Variant Classification (06012015). Collection method: clinical testing. Allele origin: germline. Affected: yes.
Comment: This variant is considered likely benign or benign based on one or more of the following criteria: it is a conservative change, it occurs at a poorly conserved position in the protein, it is predicted to be benign by multiple in silico algorithms, and/or has population frequency not consistent with disease.

Eurofins Ntd Llc (ga)
Classification: Benign. Last evaluated: 2014-04-02. Review status: criteria provided, single submitter. Criteria: EGL Classification Definitions 2015. Collection method: clinical testing. Allele origin: germline. Observed: 3 variant alleles, 3 heterozygotes.

Genetic Services Laboratory, University of Chicago
Classification: Benign. Last evaluated: 2013-02-08. Review status: criteria provided, single submitter. Criteria: ACMG Guidelines, 2007. Collection method: clinical testing. Allele origin: germline. Inheritance: Autosomal unknown.

Breakthrough Genomics
Classification: Benign. Review status: criteria provided, single submitter. Criteria: ACMG Guidelines, 2015. Collection method: not provided. Allele origin: germline. Inheritance: Autosomal recessive inheritance. Affected: yes.

RYR1 database
No classification provided. Review status: no classification provided. Collection method: not provided. Allele origin: unknown. Not counted in ClinVar's aggregate classification.

NM_000540.3(RYR1):c.9555-13C>T

Gene: RYR1 (ryanodine receptor 1; plus strand). Cytogenetic location: 19q13.2.
Variant type: single nucleotide variant.
Coding change: c.9555-13C>T on transcript NM_000540.3 (MANE Select); 13 bases into the intron before coding-DNA position 9555, C replaced by T.
Molecular consequence: intron variant.
Genome position (GRCh38, 1-based): chr19:38,516,074, C>T. VCF-style: chr19-38516074-C-T. GRCh37 (hg19) VCF-style: chr19-39006714-C-T.
Other names: c.9555-13C>T (NM_001042723.2).
Identifiers: ClinVar variation 133244 (VCV000133244.27), dbSNP rs2960328, ClinGen allele CA024991.